The following is an entry in ClinVar:

NM_145691.4(ATPAF2):c.80T>C (p.Met27Thr)

Genes: ATPAF2 (ATP synthase mitochondrial F1 complex assembly factor 2; minus strand), LOC130060410 (ATAC-STARR-seq lymphoblastoid active region 11821; plus strand). Cytogenetic location: 17p11.2.
Variant type: single nucleotide variant.
Coding change: c.80T>C on transcript NM_145691.4 (MANE Select); coding-DNA position 80, T replaced by C.
Protein change: p.Met27Thr; replaces methionine 27 with threonine.
Molecular consequence: missense variant.
Genome position (GRCh38, 1-based): chr17:18,038,934, A>G on the plus strand (T>C on the coding strand, the complement: ATPAF2 is on the minus strand). VCF-style: chr17-18038934-A-G. GRCh37 (hg19) VCF-style: chr17-17942248-A-G.
Other names: c.80T>C (NM_145691.3); short protein forms M27T.
Identifiers: ClinVar variation 2075467 (VCV002075467.5), dbSNP rs145259517, ClinGen allele CA8422022.

ClinVar aggregate classification (germline): Uncertain significance. Review status: criteria provided, multiple submitters, no conflicts (2 of 4 stars). 2 submissions from 2 submitters: Uncertain significance (2). Last evaluated 2025-09-01.

Allele frequency attached by ClinVar (database versions not stated): gnomAD exomes 0.00002; TOPMed 0.00003; ESP Exome Variant Server 0.00008; gnomAD 0.00003; ExAC 0.00004.
gnomAD v4.1: 32 of 1,612,396 alleles (0.002%); highest among the groups gnomAD compares: Middle Eastern, 0.016%; no homozygotes.

Submissions (2):

Ambry Genetics
Classification: Uncertain significance. Last evaluated: 2025-09-01. Review status: criteria provided, single submitter. Criteria: Ambry Variant Classification Scheme 2023. Collection method: clinical testing. Allele origin: germline.

Labcorp Genetics (formerly Invitae), Labcorp
Classification: Uncertain significance. Last evaluated: 2024-05-27. Review status: criteria provided, single submitter. Criteria: Invitae Variant Classification Sherloc (09022015). Collection method: clinical testing. Allele origin: germline.
Comment: This sequence change replaces methionine, which is neutral and non-polar, with threonine, which is neutral and polar, at codon 27 of the ATPAF2 protein (p.Met27Thr). This variant is present in population databases (rs145259517, gnomAD 0.006%). This variant has not been reported in the literature in individuals affected with ATPAF2-related conditions. ClinVar contains an entry for this variant (Variation ID: 2075467). An algorithm developed to predict the effect of missense changes on protein structure and function (PolyPhen-2) suggests that this variant is likely to be tolerated. In summary, the available evidence is currently insufficient to determine the role of this variant in disease. Therefore, it has been classified as a Variant of Uncertain Significance.